The following is an entry in ClinVar:

NM_001754.5(RUNX1):c.1186T>A (p.Phe396Ile)

Gene: RUNX1 (RUNX family transcription factor 1; minus strand). Cytogenetic location: 21q22.12.
Variant type: single nucleotide variant.
Coding change: c.1186T>A on transcript NM_001754.5 (MANE Select); coding-DNA position 1186, T replaced by A.
Protein change: p.Phe396Ile; replaces phenylalanine 396 with isoleucine.
Molecular consequence: missense variant.
Genome position (GRCh38, 1-based): chr21:34,792,392, A>T on the plus strand (T>A on the coding strand, the complement: RUNX1 is on the minus strand). VCF-style: chr21-34792392-A-T. GRCh37 (hg19) VCF-style: chr21-36164689-A-T.
Other names: NM_001754.5(RUNX1):c.1186T>A; p.Phe396Ile; c.1105T>A, p.Phe369Ile (NM_001001890.3); short protein forms F369I, F396I.
Identifiers: ClinVar variation 1692640 (VCV001692640.7), dbSNP rs2145875671, ClinGen allele CA410147834.

ClinVar aggregate classification (germline): Uncertain significance. Review status: reviewed by expert panel (3 of 4 stars). 4 submissions from 4 submitters: Uncertain significance (1). 3 of the submissions do not count toward it. Last evaluated 2025-05-02.

Conditions:
Inborn genetic diseases. Identifiers: MedGen C0950123, MeSH D030342.
Hereditary thrombocytopenia and hematological cancer predisposition syndrome associated with RUNX1. Also called: PLATELET DISORDER, ASPIRIN-LIKE; RUNX1 Familial Platelet Disorder with Associated Myeloid Malignancies; Familial Platelet Disorder with Propensity to Acute Myelogenous Leukemia; Familial thrombocytopenia with propensity to acute myelogenous leukemia. Identifiers: Orphanet 71290, MedGen C1832388, MeSH C563324, MONDO:0100083, OMIM 601399.
Hereditary cancer-predisposing syndrome. Also called: Hereditary neoplastic syndrome; Hereditary Cancer Syndrome; Tumor predisposition; Neoplastic Syndromes, Hereditary. Identifiers: Orphanet 140162, MedGen C0027672, MeSH D009386, MONDO:0015356.
Hereditary thrombocytopenia and hematologic cancer predisposition syndrome. Identifiers: Orphanet 71290, MedGen CN281654, MONDO:0011071.

Submissions (4):

ClinGen Myeloid Malignancy Variant Curation Expert Panel
Classification: Uncertain significance for Hereditary thrombocytopenia and hematologic cancer predisposition syndrome. Last evaluated: 2025-05-02. Review status: reviewed by expert panel. Criteria: ClinGen MyeloMalig ACMG Specifications v2. Collection method: curation. Allele origin: germline. Inheritance: Autosomal dominant inheritance.
Comment: NM_001754.5(RUNX1):c.1186T>A (p.Phe396Ile) is a missense variant which is completely absent from all population databases with at least 20x coverage for RUNX1 (PM2_Supporting). This variant has a REVEL score < 0.50 (0.293) and a SpliceAI score ≤ 0.20 (0.0) (BP4). In summary, the clinical significance of this variant is uncertain. ACMG/AMP criteria applied, as specified by the Myeloid Malignancy Variant Curation Expert Panel for RUNX1: BP4, PM2_Supporting.

Ambry Genetics
Classification: Uncertain significance for Inborn genetic diseases. Last evaluated: 2025-05-01. Review status: criteria provided, single submitter. Criteria: Ambry Variant Classification Scheme 2023. Collection method: clinical testing. Allele origin: germline. Not counted in ClinVar's aggregate classification.
Comment: The p.F396I variant (also known as c.1186T>A), located in coding exon 8 of the RUNX1 gene, results from a T to A substitution at nucleotide position 1186. The phenylalanine at codon 396 is replaced by isoleucine, an amino acid with highly similar properties. This amino acid position is highly conserved in available vertebrate species. In addition, this alteration is predicted to be tolerated by in silico analysis. Based on the available evidence, the clinical significance of this variant remains unclear.

Labcorp Genetics (formerly Invitae), Labcorp
Classification: Uncertain significance for Hereditary thrombocytopenia and hematological cancer predisposition syndrome associated with RUNX1. Last evaluated: 2025-03-17. Review status: criteria provided, single submitter. Criteria: Invitae Variant Classification Sherloc (09022015). Collection method: clinical testing. Allele origin: germline. Not counted in ClinVar's aggregate classification.
Comment: This sequence change replaces phenylalanine, which is neutral and non-polar, with isoleucine, which is neutral and non-polar, at codon 396 of the RUNX1 protein (p.Phe396Ile). This variant is not present in population databases (gnomAD no frequency). This variant has not been reported in the literature in individuals affected with RUNX1-related conditions. ClinVar contains an entry for this variant (Variation ID: 1692640). Invitae Evidence Modeling of protein sequence and biophysical properties (such as structural, functional, and spatial information, amino acid conservation, physicochemical variation, residue mobility, and thermodynamic stability) has been performed for this missense variant. However, the output from this modeling did not meet the statistical confidence thresholds required to predict the impact of this variant on RUNX1 protein function. In summary, the available evidence is currently insufficient to determine the role of this variant in disease. Therefore, it has been classified as a Variant of Uncertain Significance.

Sema4
Classification: Uncertain significance for Hereditary cancer-predisposing syndrome. Last evaluated: 2021-10-19. Review status: criteria provided, single submitter. Criteria: Sema4 Curation Guidelines. Collection method: curation. Allele origin: germline. Not counted in ClinVar's aggregate classification.
Comment: The RUNX1 c.1186T>A (p.F396I) variant has not been reported in the literature to our knowledge. It was not observed in the large and broad cohorts of the Genome Aggregation Database (PMID: 32461654), nor in ClinVar. Functional studies have not been performed, and in silico predictions of the variant's effect on protein function are inconclusive. The evidence is insufficient to meet ACMG/AMP criteria for classifying the variant as benign or pathogenic. Thus, the clinical significance of this variant is currently uncertain.